The following is an entry in ClinVar:

NM_000540.3(RYR1):c.7089C>G (p.Cys2363Trp)

Gene: RYR1 (ryanodine receptor 1; plus strand). Cytogenetic location: 19q13.2.
Variant type: single nucleotide variant.
Coding change: c.7089C>G on transcript NM_000540.3 (MANE Select); coding-DNA position 7089, C replaced by G.
Protein change: p.Cys2363Trp; replaces cysteine 2363 with tryptophan.
Molecular consequence: missense variant.
Genome position (GRCh38, 1-based): chr19:38,499,696, C>G. VCF-style: chr19-38499696-C-G. GRCh37 (hg19) VCF-style: chr19-38990336-C-G.
Other names: NM_000540.2(RYR1):c.7089C>G; p.Cys2363Trp; c.7089C>G, p.Cys2363Trp (NM_001042723.2); short protein forms C2363W.
Identifiers: ClinVar variation 478267 (VCV000478267.11), dbSNP rs2228071, ClinGen allele CA405668010.
Genomic context (GRCh38, chr19:38,499,696, plus strand): 5'-CGAGAGCGTGGAGGAGAACGCCAATGTGGTGGTGCGGCTGCTCATCCGGAAGCCTGAGTG[C>G]TTCGGACCCGCCCTGCGGGGTGAGGGTGGCTCAGGGCTGCTGGCTGCCATCGAAGAGGCC-3'
Protein context (NP_000531.2, residues 2353-2373): VVRLLIRKPE[Cys2363Trp]FGPALRGEGG

ClinVar aggregate classification (germline): Uncertain significance. Review status: reviewed by expert panel (3 of 4 stars). 2 submissions from 2 submitters: Uncertain significance (1). 1 of the submissions does not count toward it. Last evaluated 2025-08-01.

Conditions:
RYR1-related disorder. Also called: RYR1-related condition; RYR1-related disorders. Identifiers: MedGen CN239331.
Malignant hyperthermia, susceptibility to, 1 (MHS1). Also called: Anesthesia related hyperthermia; Malignant hyperpyrexia; Fulminating hyperpyrexia; Pharmacogenic myopathy; Malignant hyperthermia suceptibility 1; RYR1-Related Malignant Hyperthermia Susceptibility. Identifiers: Orphanet 423, MedGen C2930980, MONDO:0007783, OMIM 145600.

Submissions (2):

ClinGen Malignant Hyperthermia Susceptibility Variant Curation Expert Panel, ClinGen
Classification: Uncertain significance for Malignant hyperthermia, susceptibility to, 1. Last evaluated: 2025-08-01. Review status: reviewed by expert panel. Criteria: ClinGen MHS ACMG Specifications V2. Collection method: curation. Allele origin: germline. Inheritance: Autosomal dominant inheritance. Study: ClinGen.
Comment: This pathogenicity assessment is relevant only for malignant hyperthermia susceptibility (MHS) inherited in an autosomal dominant pattern. Variants in RYR1 can also cause other myopathies inherited in an autosomal dominant pattern or in an autosomal recessive pattern. Some of these disorders may predispose individuals to malignant hyperthermia. RYR1 variants may also contribute to a malignant hyperthermia reaction in combination with other genetic and non-genetic factors and the clinician needs to consider such factors in making management decisions. This sequence variant predicts a substitution of cysteine with tryptophan at codon 2363 of the RYR1 protein, p.(Cys2363Trp). This variant was not present in a large population database (gnomAD) at the time this variant was interpreted. This variant has been reported in two unrelated individuals who have a personal or family history of a malignant hyperthermia reaction, two of these individuals had a positive in vitro contracture test (IVCT) or caffeine halothane contracture test (CHCT) result (if the proband was unavailable for testing, a positive diagnostic test result in a mutation-positive relative was counted), PS4_Moderate (PMID:30236257). No functional studies were identified for this variant. This variant resides in a region of RYR1 considered to be a hotspot for pathogenic variants that contribute to MHS, PM1 (PMID: 21118704). A REVEL score of 0.78 supports neither a pathogenic nor a benign status for this variant. This variant has been classified as a Variant of Unknown Significance. Criteria implemented: PS4_Moderate, PM1.

Labcorp Genetics (formerly Invitae), Labcorp
Classification: Pathogenic for RYR1-related disorder. Last evaluated: 2023-07-17. Review status: criteria provided, single submitter. Criteria: Invitae Variant Classification Sherloc (09022015). Collection method: clinical testing. Allele origin: germline. Not counted in ClinVar's aggregate classification.
Comment: This sequence change replaces cysteine, which is neutral and slightly polar, with tryptophan, which is neutral and slightly polar, at codon 2363 of the RYR1 protein (p.Cys2363Trp). This variant is not present in population databases (gnomAD no frequency). This missense change has been observed in individual(s) with malignant hyperthermia (PMID: 30236257). ClinVar contains an entry for this variant (Variation ID: 478267). Advanced modeling of protein sequence and biophysical properties (such as structural, functional, and spatial information, amino acid conservation, physicochemical variation, residue mobility, and thermodynamic stability) performed at Invitae indicates that this missense variant is expected to disrupt RYR1 protein function. For these reasons, this variant has been classified as Pathogenic.

Literature cited by the submitters: PubMed 30236257 (cited by Labcorp Genetics (formerly Invitae), Labcorp).